The following is an entry in ClinVar:

ClinVar aggregate classification (germline): Pathogenic (1 of 4 stars; one submission).

Conditions:
Xeroderma pigmentosum, group F (XPF). Also called: XERODERMA PIGMENTOSUM VI; XP, GROUP F; XERODERMA PIGMENTOSUM, COMPLEMENTATION GROUP F; ERCC4-Related Xeroderma Pigmentosum; XERODERMA PIGMENTOSUM, TYPE F; Xeroderma pigmentosum, type 6. Identifiers: MedGen C0268140, MONDO:0010215, OMIM 278760.
Fanconi anemia complementation group Q. Identifiers: Orphanet 84, MedGen C3808988, MONDO:0014108, OMIM 615272.
Cockayne syndrome. Identifiers: Orphanet 191, MedGen C0009207, MONDO:0016006.

gnomAD v4.1: 1 of 1,606,158 alleles (0.000062%); highest among the groups gnomAD compares: Non-Finnish European, 0.000085%; no homozygotes.

Submission:

Labcorp Genetics (formerly Invitae), Labcorp
Classification: Pathogenic for Fanconi anemia complementation group Q; Xeroderma pigmentosum, group F; Cockayne syndrome. Last evaluated: 2020-02-05. Review status: criteria provided, single submitter. Criteria: Invitae Variant Classification Sherloc (09022015). Collection method: clinical testing. Allele origin: germline.
Comment: This sequence change creates a premature translational stop signal (p.Arg8*) in the ERCC4 gene. It is expected to result in an absent or disrupted protein product. This variant is not present in population databases (ExAC no frequency). This variant has not been reported in the literature in individuals with ERCC4-related conditions. Loss-of-function variants in ERCC4 are known to be pathogenic (PMID: 9580660). For these reasons, this variant has been classified as Pathogenic.

Literature cited by the submitters: PubMed 9580660.

NM_005236.3(ERCC4):c.22C>T (p.Arg8Ter)

Genes: ERCC4 (ERCC excision repair 4, endonuclease catalytic subunit; plus strand), LOC130058543 (ATAC-STARR-seq lymphoblastoid active region 10486; plus strand). Cytogenetic location: 16p13.12.
Variant type: single nucleotide variant.
Coding change: c.22C>T on transcript NM_005236.3 (MANE Select); coding-DNA position 22, C replaced by T.
Protein change: p.Arg8Ter; replaces arginine 8 with a stop codon.
Molecular consequence: nonsense.
Genome position (GRCh38, 1-based): chr16:13,920,187, C>T. VCF-style: chr16-13920187-C-T. GRCh37 (hg19) VCF-style: chr16-14014044-C-T.
Other names: short protein forms R8*.
Identifiers: ClinVar variation 1075759 (VCV001075759.2), dbSNP rs774510191, ClinGen allele CA394815859.
Genomic context (GRCh38, chr16:13,920,187, plus strand): 5'-TCCTTCGGCTGCGTTCGGCTGCGACCCGGAAGAGCTTCCATGGAGTCAGGGCAGCCGGCT[C>T]GACGGATTGCCATGGCGCCGCTGCTGGAGTACGAGCGACAGCTGGTGCTGGAACTGCTCG-3'